The following is an entry in ClinVar:

ClinVar aggregate classification (germline): Benign. Review status: criteria provided, multiple submitters, no conflicts (2 of 4 stars). 2 submissions from 2 submitters: Benign (2). Last evaluated 2018-06-14.

Allele frequency attached by ClinVar (database versions not stated): 1000 Genomes Project 0.02776; 1000 Genomes Project 30x 0.03014; TOPMed 0.04745; gnomAD 0.05365 and 0.05572; gnomAD exomes 0.06189.
gnomAD v4.1: 89,774 of 1,479,370 alleles (6.1%); highest among the groups gnomAD compares: Non-Finnish European, 7.1%; 3,185 homozygotes.

Submissions (2):

GeneDx
Classification: Benign. Last evaluated: 2018-06-14. Review status: criteria provided, single submitter. Criteria: GeneDx Variant Classification (06012015). Collection method: clinical testing. Allele origin: germline. Affected: yes.
Comment: This variant is considered likely benign or benign based on one or more of the following criteria: it is a conservative change, it occurs at a poorly conserved position in the protein, it is predicted to be benign by multiple in silico algorithms, and/or has population frequency not consistent with disease.

Breakthrough Genomics
Classification: Benign. Review status: criteria provided, single submitter. Criteria: ACMG Guidelines, 2015. Collection method: not provided. Allele origin: germline. Inheritance: Autosomal dominant inheritance. Affected: yes.

NM_001844.5(COL2A1):c.2193+57C>T

Gene: COL2A1 (collagen type II alpha 1 chain; minus strand). Cytogenetic location: 12q13.11.
Variant type: single nucleotide variant.
Coding change: c.2193+57C>T on transcript NM_001844.5 (MANE Select); 57 bases into the intron after coding-DNA position 2193, C replaced by T.
Molecular consequence: intron variant.
Genome position (GRCh38, 1-based): chr12:47,982,791, G>A on the plus strand (C>T on the coding strand, the complement: COL2A1 is on the minus strand). VCF-style: chr12-47982791-G-A. GRCh37 (hg19) VCF-style: chr12-48376574-G-A.
Other names: c.1986+57C>T (NM_033150.3).
Identifiers: ClinVar variation 675114 (VCV000675114.2), dbSNP rs55967487, ClinGen allele CA236524673.
Genomic context (GRCh38, chr12:47,982,791, plus strand): 5'-CCTTTCCAGCTCCCCCCACTTCTGTTCTTCATTCCTCCTGAGCCCGCTCCTCTTCTCCCT[G>A]CTCAGTGGGACTCCCAGGCTACCACGAAGACCCCTACAGGATGCAGCCTCACTTACTTTG-3'